The following is an entry in ClinVar:

ClinVar aggregate classification (germline): Uncertain significance (1 of 4 stars; one submission).

Conditions:
Stormorken syndrome (STRMK). Also called: THROMBOCYTOPATHY, ASPLENIA, AND MIOSIS. Identifiers: Orphanet 3204, MedGen C1861451, MONDO:0008497, OMIM 185070.
Combined immunodeficiency due to STIM1 deficiency. Also called: IMMUNODEFICIENCY 10; STIM1 DEFICIENCY. Identifiers: Orphanet 169090, Orphanet 317430, MedGen C2748557, MONDO:0013008, OMIM 612783.
Myopathy with tubular aggregates (TAM). Also called: Tubular Aggregate Myopathy. Identifiers: Orphanet 2593, MedGen C0410207, MONDO:0008051.

Submission:

Labcorp Genetics (formerly Invitae), Labcorp
Classification: Uncertain significance for Myopathy with tubular aggregates; Combined immunodeficiency due to STIM1 deficiency; Stormorken syndrome. Last evaluated: 2025-08-07. Review status: criteria provided, single submitter. Criteria: Invitae Variant Classification Sherloc (09022015). Collection method: clinical testing. Allele origin: germline.
Comment: This sequence change affects codon 379 of the STIM1 mRNA. It is a 'silent' change, meaning that it does not change the encoded amino acid sequence of the STIM1 protein. This variant also falls at the last nucleotide of exon 8, which is part of the consensus splice site for this exon. This variant is not present in population databases (gnomAD no frequency). This variant has not been reported in the literature in individuals affected with STIM1-related conditions. Variants that disrupt the consensus splice site are a relatively common cause of aberrant splicing (PMID: 17576681, 9536098). Algorithms developed to predict the effect of sequence changes on RNA splicing suggest that this variant may disrupt the consensus splice site. In summary, the available evidence is currently insufficient to determine the role of this variant in disease. Therefore, it has been classified as a Variant of Uncertain Significance.

Literature cited by the submitters: PubMed 17576681; PubMed 9536098.

NM_001382567.1(STIM1):c.1137G>C (p.Gly379=)

Gene: STIM1 (stromal interaction molecule 1; plus strand). Cytogenetic location: 11p15.4.
Variant type: single nucleotide variant.
Coding change: c.1137G>C on transcript NM_001382567.1 (MANE Select); coding-DNA position 1137, G replaced by C.
Protein change: p.Gly379=; no amino-acid change (glycine 379 retained).
Molecular consequence: synonymous variant. On other transcripts: non-coding transcript variant (2).
Genome position (GRCh38, 1-based): chr11:4,082,351, G>C. VCF-style: chr11-4082351-G-C. GRCh37 (hg19) VCF-style: chr11-4103581-G-C.
Other names: c.1137G>C, p.Gly379= (NM_001277961.3, NM_001277962.2, NM_001382568.1 and 1 more transcripts); c.915G>C, p.Gly305= (NM_001382566.1, NM_001382573.1, NM_001382575.1 and 4 more transcripts); c.1002G>C, p.Gly334= (NM_001382569.1); c.909G>C, p.Gly303= (NM_001382570.1); c.657G>C, p.Gly219= (NM_001382571.1); c.648G>C, p.Gly216= (NM_001382580.1, NM_001382581.1).
Identifiers: ClinVar variation 4782398 (VCV004782398.1).